The following is an entry in ClinVar:

ClinVar aggregate classification (germline): Uncertain significance (1 of 4 stars; one submission).

Conditions:
Cardiovascular phenotype. Identifiers: MedGen CN230736.
Hereditary cancer-predisposing syndrome. Also called: Hereditary Cancer Syndrome; Hereditary neoplastic syndrome; Neoplastic Syndromes, Hereditary; Tumor predisposition. Identifiers: Orphanet 140162, MedGen C0027672, MeSH D009386, MONDO:0015356.

Allele frequency attached by ClinVar (database versions not stated): gnomAD exomes below 0.00001.
gnomAD v4.1: 1 of 1,601,414 alleles (0.000062%); highest among the groups gnomAD compares: Non-Finnish European, 0.000085%; no homozygotes.

Submission:

Ambry Genetics
Classification: Uncertain significance for Cardiovascular phenotype; Hereditary cancer-predisposing syndrome. Last evaluated: 2022-08-16. Review status: criteria provided, single submitter. Criteria: Ambry Variant Classification Scheme 2023. Collection method: clinical testing. Allele origin: germline.
Comment: The p.F521C variant (also known as c.1562T>G), located in coding exon 14 of the LZTR1 gene, results from a T to G substitution at nucleotide position 1562. The phenylalanine at codon 521 is replaced by cysteine, an amino acid with highly dissimilar properties. This amino acid position is conserved. In addition, this alteration is predicted to be deleterious by in silico analysis. Since supporting evidence is limited at this time, the clinical significance of this alteration remains unclear.

NM_006767.4(LZTR1):c.1562T>G (p.Phe521Cys)

Gene: LZTR1 (leucine zipper like post translational regulator 1; plus strand). Cytogenetic location: 22q11.21.
Variant type: single nucleotide variant.
Coding change: c.1562T>G on transcript NM_006767.4 (MANE Select); coding-DNA position 1562, T replaced by G.
Protein change: p.Phe521Cys; replaces phenylalanine 521 with cysteine.
Molecular consequence: missense variant.
Genome position (GRCh38, 1-based): chr22:20,994,216, T>G. VCF-style: chr22-20994216-T-G. GRCh37 (hg19) VCF-style: chr22-21348505-T-G.
Other names: short protein forms F521C.
Identifiers: ClinVar variation 1775300 (VCV001775300.2), dbSNP rs2147967392, ClinGen allele CA410775987.
Genomic context (GRCh38, chr22:20,994,216, plus strand): 5'-CTGGTGGGGCCCGGCCGCCCCTGCTGCACGTGGCCATCCGGGAGGCCGAGGCCCGGCCCT[T>G]CGAGGTGCTCATGCAGTTCCTCTACACCGACAAGATCAAATACCCACGGAAAGGTCCGCC-3'
Protein context (NP_006758.2, residues 511-531): VAIREAEARP[Phe521Cys]EVLMQFLYTD